The following is an entry in ClinVar:

ClinVar aggregate classification (germline): Uncertain significance (1 of 4 stars; one submission).

Conditions:
Cortical dysplasia-focal epilepsy syndrome (PTHSL1). Also called: Pitt-Hopkins-like syndrome 1. Identifiers: Orphanet 163681, Orphanet 221150, MedGen C2750246, MONDO:0012400, OMIM 610042.

Allele frequency attached by ClinVar (database versions not stated): TOPMed below 0.00001.
gnomAD v4.1: 6 of 1,614,098 alleles (0.00037%); highest among the groups gnomAD compares: Admixed American, 0.0083%; no homozygotes.

Submission:

Labcorp Genetics (formerly Invitae), Labcorp
Classification: Uncertain significance for Cortical dysplasia-focal epilepsy syndrome. Last evaluated: 2021-08-26. Review status: criteria provided, single submitter. Criteria: Invitae Variant Classification Sherloc (09022015). Collection method: clinical testing. Allele origin: germline.
Comment: This sequence change replaces methionine with isoleucine at codon 840 of the CNTNAP2 protein (p.Met840Ile). The methionine residue is weakly conserved and there is a small physicochemical difference between methionine and isoleucine. This variant is present in population databases (rs779395215, ExAC 0.009%). This variant has not been reported in the literature in individuals affected with CNTNAP2-related conditions. Algorithms developed to predict the effect of missense changes on protein structure and function are either unavailable or do not agree on the potential impact of this missense change (SIFT: "Deleterious"; PolyPhen-2: "Benign"; Align-GVGD: "Class C0"). Algorithms developed to predict the effect of sequence changes on RNA splicing suggest that this variant may create or strengthen a splice site. In summary, the available evidence is currently insufficient to determine the role of this variant in disease. Therefore, it has been classified as a Variant of Uncertain Significance.

NM_014141.6(CNTNAP2):c.2520G>A (p.Met840Ile)

Gene: CNTNAP2 (contactin associated protein 2; plus strand). Cytogenetic location: 7q35.
Variant type: single nucleotide variant.
Coding change: c.2520G>A on transcript NM_014141.6 (MANE Select); coding-DNA position 2520, G replaced by A.
Protein change: p.Met840Ile; replaces methionine 840 with isoleucine.
Molecular consequence: missense variant.
Genome position (GRCh38, 1-based): chr7:148,118,254, G>A. VCF-style: chr7-148118254-G-A. GRCh37 (hg19) VCF-style: chr7-147815346-G-A.
Other names: short protein forms M840I.
Identifiers: ClinVar variation 1006189 (VCV001006189.6), dbSNP rs779395215, ClinGen allele CA4546416.